The following is an entry in ClinVar:

NC_000004.12:g.(?_185684754)_(186709827_?)del

Genes: MTNR1A (melatonin receptor 1A; minus strand), SORBS2 (sorbin and SH3 domain containing 2; minus strand), KLKB1 (kallikrein B1; plus strand), SORBS2-AS2 (SORBS2 antisense RNA 2; plus strand), TLR3 (toll like receptor 3; plus strand) and 24 more. Cytogenetic location: 4q35.1-35.2.
Variant type: Deletion.
Identifiers: ClinVar variation 644265 (VCV000644265.1).

ClinVar aggregate classification (germline): Pathogenic (1 of 4 stars; one submission).

Submission:

Labcorp Genetics (formerly Invitae), Labcorp
Classification: Pathogenic. Last evaluated: 2018-07-30. Review status: criteria provided, single submitter. Criteria: Invitae Variant Classification Sherloc (09022015). Collection method: clinical testing. Allele origin: germline.
Comment: A gross deletion of the genomic region encompassing the full coding sequence of the F11 gene has been identified. The boundaries of this event are unknown as the deletion extends beyond the assayed region for this gene and therefore may encompass additional genes. A similar whole-gene deletion has been observed in individuals affected withÂ¬â€ factor XI deficiencyÂ¬â€ (PMID:Â¬â€ 15226185). Loss-of-function variants in F11 are known to be pathogenic (PMID: 23929304). For these reasons, this variant has been classified as Pathogenic.